The following is an entry in ClinVar:

ClinVar aggregate classification (germline): Uncertain significance (1 of 4 stars; one submission).

Submission:

Ambry Genetics
Classification: Uncertain significance. Last evaluated: 2021-09-24. Review status: criteria provided, single submitter. Criteria: Ambry Variant Classification Scheme 2023. Collection method: clinical testing. Allele origin: germline.
Comment: The p.G711E variant (also known as c.2132G>A), located in coding exon 13 of the NPAT gene, results from a G to A substitution at nucleotide position 2132. The glycine at codon 711 is replaced by glutamic acid, an amino acid with similar properties. This amino acid position is conserved. In addition, this alteration is predicted to be tolerated by in silico analysis. Since supporting evidence is limited at this time, the clinical significance of this alteration remains unclear.

NM_002519.3(NPAT):c.2132G>A (p.Gly711Glu)

Gene: NPAT (nuclear protein, coactivator of histone transcription; minus strand). Cytogenetic location: 11q22.3.
Variant type: single nucleotide variant.
Coding change: c.2132G>A on transcript NM_002519.3 (MANE Select); coding-DNA position 2132, G replaced by A.
Protein change: p.Gly711Glu; replaces glycine 711 with glutamic acid.
Molecular consequence: missense variant.
Genome position (GRCh38, 1-based): chr11:108,172,852, C>T on the plus strand (G>A on the coding strand, the complement: NPAT is on the minus strand). VCF-style: chr11-108172852-C-T. GRCh37 (hg19) VCF-style: chr11-108043579-C-T.
Other names: c.2132G>A, p.Gly711Glu (NM_001321307.1); short protein forms G711E.
Identifiers: ClinVar variation 1786434 (VCV001786434.2), dbSNP rs2496718556, ClinGen allele CA382513623.